The following is an entry in ClinVar:

NM_001164508.2(NEB):c.11459A>T (p.Asp3820Val)

Gene: NEB (nebulin; minus strand). Cytogenetic location: 2q23.3.
Variant type: single nucleotide variant.
Coding change: c.11459A>T on transcript NM_001164508.2 (MANE Select); coding-DNA position 11459, A replaced by T.
Protein change: p.Asp3820Val; replaces aspartic acid 3820 with valine.
Molecular consequence: missense variant.
Genome position (GRCh38, 1-based): chr2:151,614,418, T>A on the plus strand (A>T on the coding strand, the complement: NEB is on the minus strand). VCF-style: chr2-151614418-T-A. GRCh37 (hg19) VCF-style: chr2-152470932-T-A.
Other names: c.11459A>T, p.Asp3820Val (NM_001164507.2, NM_001271208.2); c.10730A>T, p.Asp3577Val (NM_004543.5); short protein forms D3577V, D3820V.
Identifiers: ClinVar variation 1023252 (VCV001023252.8), dbSNP rs1008059245, ClinGen allele CA348781703.
Genomic context (GRCh38, chr2:151,614,418, plus strand): 5'-TTGTAGTCTATGTCGCTTACAAGGATCTGACACTTCTTGGCCAGCACCACCCCCAGCATG[T>A]CCACTGGGCTGCTGAACTTGGTCTTCCACTTCTCAAACTCCTTCTTGTACTCCCTGTCAC-3'
Protein context (NP_001157980.2, residues 3810-3830): KWKTKFSSPV[Asp3820Val]MLGVVLAKKC

ClinVar aggregate classification (germline): Uncertain significance (1 of 4 stars; one submission).

Conditions:
Nemaline myopathy 2 (NEM2). Also called: Nemaline myopathy 2, autosomal recessive. Identifiers: MedGen C1850569, MONDO:0009725, OMIM 256030.

Submission:

Labcorp Genetics (formerly Invitae), Labcorp
Classification: Uncertain significance for Nemaline myopathy 2. Last evaluated: 2022-01-13. Review status: criteria provided, single submitter. Criteria: Invitae Variant Classification Sherloc (09022015). Collection method: clinical testing. Allele origin: germline.
Comment: In summary, the available evidence is currently insufficient to determine the role of this variant in disease. Therefore, it has been classified as a Variant of Uncertain Significance. Algorithms developed to predict the effect of missense changes on protein structure and function are either unavailable or do not agree on the potential impact of this missense change (SIFT: "Deleterious"; PolyPhen-2: "Not Available"; Align-GVGD: "Class C0"). ClinVar contains an entry for this variant (Variation ID: 1023252). This variant has not been reported in the literature in individuals affected with NEB-related conditions. This variant is not present in population databases (gnomAD no frequency). This sequence change replaces aspartic acid, which is acidic and polar, with valine, which is neutral and non-polar, at codon 3820 of the NEB protein (p.Asp3820Val).